The following is an entry in ClinVar:

ClinVar aggregate classification (germline): Uncertain significance (1 of 4 stars; one submission).

Submission:

CeGaT Center for Human Genetics Tuebingen
Classification: Uncertain significance. Last evaluated: 2024-08-01. Review status: criteria provided, single submitter. Criteria: CeGaT Center For Human Genetics Tuebingen Variant Classification Criteria Version 2. Collection method: clinical testing. Allele origin: germline. Affected: yes. Observed: 1 variant allele.
Comment: NUS1: PM2, BP4

NM_138459.5(NUS1):c.872T>C (p.Leu291Pro)

Gene: NUS1 (NUS1 dehydrodolichyl diphosphate synthase subunit; plus strand). Cytogenetic location: 6q22.1.
Variant type: single nucleotide variant.
Coding change: c.872T>C on transcript NM_138459.5 (MANE Select); coding-DNA position 872, T replaced by C.
Protein change: p.Leu291Pro; replaces leucine 291 with proline.
Molecular consequence: missense variant.
Genome position (GRCh38, 1-based): chr6:117,707,005, T>C. VCF-style: chr6-117707005-T-C. GRCh37 (hg19) VCF-style: chr6-118028168-T-C.
Other names: short protein forms L291P.
Identifiers: ClinVar variation 3342035 (VCV003342035.16).